The following is an entry in ClinVar:

ClinVar aggregate classification (germline): Uncertain significance. Review status: criteria provided, multiple submitters, no conflicts (2 of 4 stars). 2 submissions from 2 submitters: Uncertain significance (2). Last evaluated 2025-06-03.

Conditions:
Inborn genetic diseases. Identifiers: MedGen C0950123, MeSH D030342.
Neuropathy, hereditary sensory and autonomic, type 1C. Also called: HSAN IC; HSN IC. Identifiers: Orphanet 36386, MedGen C3150896, MONDO:0013337, OMIM 613640.

Allele frequency attached by ClinVar (database versions not stated): gnomAD exomes below 0.00001.
gnomAD v4.1: 4 of 1,614,056 alleles (0.00025%); highest among the groups gnomAD compares: Non-Finnish European, 0.00034%; no homozygotes.

Submissions (2):

Labcorp Genetics (formerly Invitae), Labcorp
Classification: Uncertain significance for Neuropathy, hereditary sensory and autonomic, type 1C. Last evaluated: 2025-06-03. Review status: criteria provided, single submitter. Criteria: Invitae Variant Classification Sherloc (09022015). Collection method: clinical testing. Allele origin: germline.
Comment: This sequence change replaces glutamine, which is neutral and polar, with glutamic acid, which is acidic and polar, at codon 152 of the SPTLC2 protein (p.Gln152Glu). This variant is not present in population databases (gnomAD no frequency). This variant has not been reported in the literature in individuals affected with SPTLC2-related conditions. ClinVar contains an entry for this variant (Variation ID: 2527575). Invitae Evidence Modeling of protein sequence and biophysical properties (such as structural, functional, and spatial information, amino acid conservation, physicochemical variation, residue mobility, and thermodynamic stability) indicates that this missense variant is not expected to disrupt SPTLC2 protein function with a negative predictive value of 95%. In summary, the available evidence is currently insufficient to determine the role of this variant in disease. Therefore, it has been classified as a Variant of Uncertain Significance.

Ambry Genetics
Classification: Uncertain significance for Inborn genetic diseases. Last evaluated: 2023-03-21. Review status: criteria provided, single submitter. Criteria: Ambry Variant Classification Scheme 2023. Collection method: clinical testing. Allele origin: germline.

NM_004863.4(SPTLC2):c.454C>G (p.Gln152Glu)

Gene: SPTLC2 (serine palmitoyltransferase long chain base subunit 2; minus strand). Cytogenetic location: 14q24.3.
Variant type: single nucleotide variant.
Coding change: c.454C>G on transcript NM_004863.4 (MANE Select); coding-DNA position 454, C replaced by G.
Protein change: p.Gln152Glu; replaces glutamine 152 with glutamic acid.
Molecular consequence: missense variant.
Genome position (GRCh38, 1-based): chr14:77,578,983, G>C on the plus strand (C>G on the coding strand, the complement: SPTLC2 is on the minus strand). VCF-style: chr14-77578983-G-C. GRCh37 (hg19) VCF-style: chr14-78045326-G-C.
Other names: short protein forms Q152E.
Identifiers: ClinVar variation 2527575 (VCV002527575.3), dbSNP rs924598098, ClinGen allele CA390700530.